The following is an entry in ClinVar:

NM_000540.3(RYR1):c.3381+1G>A

Gene: RYR1 (ryanodine receptor 1; plus strand). Cytogenetic location: 19q13.2.
Variant type: single nucleotide variant.
Coding change: c.3381+1G>A on transcript NM_000540.3 (MANE Select); the canonical splice donor site of the intron after coding-DNA position 3381, G replaced by A.
Molecular consequence: splice donor variant.
Genome position (GRCh38, 1-based): chr19:38,467,813, G>A. VCF-style: chr19-38467813-G-A. GRCh37 (hg19) VCF-style: chr19-38958453-G-A.
Other names: c.3381+1G>A (NM_001042723.2).
Identifiers: ClinVar variation 212103 (VCV000212103.13), dbSNP rs797045934, ClinGen allele CA209427.

ClinVar aggregate classification (germline): Pathogenic. Review status: criteria provided, multiple submitters, no conflicts (2 of 4 stars). 3 submissions from 3 submitters: Pathogenic (3). Last evaluated 2023-10-16.

Conditions:
RYR1-related disorder. Also called: RYR1-related condition; RYR1-related disorders. Identifiers: MedGen CN239331.
Myopathy. Identifiers: MedGen C0026848, MeSH D009135, MONDO:0005336, HP:0003198.

Allele frequency attached by ClinVar (database versions not stated): gnomAD exomes 0.00001; TOPMed 0.00001.
gnomAD v4.1: 9 of 1,613,750 alleles (0.00056%); highest among the groups gnomAD compares: African/African-American, 0.0027%; no homozygotes.

Submissions (3):

Labcorp Genetics (formerly Invitae), Labcorp
Classification: Pathogenic for RYR1-related disorder. Last evaluated: 2023-10-16. Review status: criteria provided, single submitter. Criteria: Invitae Variant Classification Sherloc (09022015). Collection method: clinical testing. Allele origin: germline.
Comment: This sequence change affects a donor splice site in intron 25 of the RYR1 gene. It is expected to disrupt RNA splicing. Variants that disrupt the donor or acceptor splice site typically lead to a loss of protein function (PMID: 16199547), and loss-of-function variants in RYR1 are known to be pathogenic (PMID: 23919265, 25960145, 28818389, 30611313). This variant is not present in population databases (gnomAD no frequency). Disruption of this splice site has been observed in individuals with autosomal recessive congenital myopathy (PMID: 20839240, 23553787). ClinVar contains an entry for this variant (Variation ID: 212103). Algorithms developed to predict the effect of sequence changes on RNA splicing suggest that this variant may disrupt the consensus splice site. For these reasons, this variant has been classified as Pathogenic.

Blueprint Genetics
Classification: Pathogenic for RYR1-related disorders. Last evaluated: 2022-05-16. Review status: criteria provided, single submitter. Criteria: ACMG Guidelines, 2015. Collection method: clinical testing. Allele origin: germline. Affected: yes. Observed: 2 variant alleles.

Genetic Services Laboratory, University of Chicago
Classification: Pathogenic for Myopathy. Last evaluated: 2015-05-28. Review status: criteria provided, single submitter. Criteria: ACMG Guidelines, 2015. Collection method: clinical testing. Allele origin: germline. Affected: yes.

Literature cited by the submitters: PubMed 16199547 (cited by Labcorp Genetics (formerly Invitae), Labcorp); PubMed 23919265 (cited by Labcorp Genetics (formerly Invitae), Labcorp); PubMed 25960145 (cited by Labcorp Genetics (formerly Invitae), Labcorp); PubMed 28818389 (cited by Labcorp Genetics (formerly Invitae), Labcorp); PubMed 30611313 (cited by Labcorp Genetics (formerly Invitae), Labcorp); PubMed 20839240 (cited by Labcorp Genetics (formerly Invitae), Labcorp); PubMed 23553787 (cited by Labcorp Genetics (formerly Invitae), Labcorp).